The following is an entry in ClinVar:

ClinVar aggregate classification (germline): Uncertain significance (1 of 4 stars; one submission).

Submission:

Labcorp Genetics (formerly Invitae), Labcorp
Classification: Uncertain significance. Last evaluated: 2023-06-04. Review status: criteria provided, single submitter. Criteria: Invitae Variant Classification Sherloc (09022015). Collection method: clinical testing. Allele origin: germline.
Comment: This sequence change replaces serine, which is neutral and polar, with leucine, which is neutral and non-polar, at codon 1008 of the SUCO protein (p.Ser1008Leu). This variant is not present in population databases (gnomAD no frequency). This variant has not been reported in the literature in individuals affected with SUCO-related conditions. An algorithm developed to predict the effect of missense changes on protein structure and function (PolyPhen-2) suggests that this variant is likely to be disruptive. In summary, the available evidence is currently insufficient to determine the role of this variant in disease. Therefore, it has been classified as a Variant of Uncertain Significance.

NM_014283.5(SUCO):c.3023C>T (p.Ser1008Leu)

Gene: SUCO (SUN domain containing ossification factor; plus strand). Cytogenetic location: 1q24.3.
Variant type: single nucleotide variant.
Coding change: c.3023C>T on transcript NM_014283.5 (MANE Select); coding-DNA position 3023, C replaced by T.
Protein change: p.Ser1008Leu; replaces serine 1008 with leucine.
Molecular consequence: missense variant.
Genome position (GRCh38, 1-based): chr1:172,602,068, C>T. VCF-style: chr1-172602068-C-T. GRCh37 (hg19) VCF-style: chr1-172571208-C-T.
Other names: c.1334C>T, p.Ser445Leu (NM_001282751.2); c.3476C>T, p.Ser1159Leu (NM_016227.4); c.1910C>T, p.Ser637Leu (NM_001282750.2); short protein forms S1008L, S1159L, S637L, S445L.
Identifiers: ClinVar variation 2768239 (VCV002768239.3), dbSNP rs1657568274, ClinGen allele CA343748561.